The following is an entry in ClinVar:

NM_004606.5(TAF1):c.1291C>T (p.Arg431Cys)

Gene: TAF1 (TATA-box binding protein associated factor 1; plus strand). Cytogenetic location: Xq13.1.
Variant type: single nucleotide variant.
Coding change: c.1291C>T on transcript NM_004606.5 (MANE Select); coding-DNA position 1291, C replaced by T.
Protein change: p.Arg431Cys; replaces arginine 431 with cysteine.
Molecular consequence: missense variant. On other transcripts: non-coding transcript variant (9).
Genome position (GRCh38, 1-based): chrX:71,378,962, C>T. VCF-style: chrX-71378962-C-T. GRCh37 (hg19) VCF-style: chrX-70598812-C-T.
Other names: c.1291C>T, p.Arg431Cys (NM_001286074.2); c.1228C>T, p.Arg410Cys (NM_138923.4); short protein forms R410C, R431C.
Identifiers: ClinVar variation 2664704 (VCV002664704.1), dbSNP rs2520159882, ClinGen allele CA413510773.

ClinVar aggregate classification (germline): Uncertain significance (1 of 4 stars; one submission).

Conditions:
Intellectual developmental disorder, X-linked, syndromic 33. Also called: X-linked intellectual disability-global development delay-facial dysmorphism-sacral caudal remnant syndrome; Intellectual disability, X-linked, syndromic 33. Identifiers: Orphanet 480907, MedGen C4225418, MONDO:0010500, OMIM 300966.

Allele frequency attached by ClinVar (database versions not stated): gnomAD exomes below 0.00001.
gnomAD v4.1: 1 of 1,211,233 alleles (0.000083%); highest among the groups gnomAD compares: Non-Finnish European, 0.00011%; no homozygotes.

Submission:

Genetics and Molecular Pathology, SA Pathology
Classification: Uncertain significance for Intellectual developmental disorder, X-linked, syndromic 33. Last evaluated: 2023-06-21. Review status: criteria provided, single submitter. Criteria: ACMG Guidelines, 2015. Collection method: clinical testing. Allele origin: germline. Inheritance: X-linked recessive inheritance. Affected: yes.
Comment: The TAF1 c.1291C>T variant is classified as VARIANT OF UNCERTAIN SIGNIFICANCE (PM2, PP3) This variant is a single nucleotide change in exon 8/38 of the TAF1 gene, which is predicted to change the amino acid arginine at position 431 in the protein to cysteine. This variant is not in dbSNP and is absent from population databases (PM2). This variant has not been reported in ClinVar or HGMD disease databases. Computational predictions support a deleterious effect on the gene or gene product (PP3). Clinical review is recommended. There is insufficient information available at this time to determine the clinical significance of this variant. Correlation of this gene variant with the patient's clinical presentation is receommended. Genetic counselling is recommended.